The following is an entry in ClinVar:

ClinVar aggregate classification (germline): Uncertain significance. Review status: criteria provided, multiple submitters, no conflicts (2 of 4 stars). 2 submissions from 2 submitters: Uncertain significance (2). Last evaluated 2024-03-12.

Conditions:
Cardiovascular phenotype. Identifiers: MedGen CN230736.
Progressive familial heart block type IB (PFHB1B). Identifiers: Orphanet 871, MedGen C1970298, MONDO:0011474, OMIM 604559.

Allele frequency attached by ClinVar (database versions not stated): gnomAD exomes below 0.00001.
gnomAD v4.1: 2 of 1,587,096 alleles (0.00013%); highest among the groups gnomAD compares: Non-Finnish European, 0.00017%; no homozygotes.

Submissions (2):

Ambry Genetics
Classification: Uncertain significance for Cardiovascular phenotype. Last evaluated: 2024-03-12. Review status: criteria provided, single submitter. Criteria: Ambry Variant Classification Scheme 2023. Collection method: clinical testing. Allele origin: germline.
Comment: The p.P1206L variant (also known as c.3617C>T), located in coding exon 24 of the TRPM4 gene, results from a C to T substitution at nucleotide position 3617. The proline at codon 1206 is replaced by leucine, an amino acid with similar properties. This amino acid position is well conserved in available vertebrate species. In addition, this alteration is predicted to be tolerated by in silico analysis. Based on the available evidence, the clinical significance of this alteration remains unclear.

Labcorp Genetics (formerly Invitae), Labcorp
Classification: Uncertain significance for Progressive familial heart block type IB. Last evaluated: 2022-03-20. Review status: criteria provided, single submitter. Criteria: Invitae Variant Classification Sherloc (09022015). Collection method: clinical testing. Allele origin: germline.
Comment: This variant has not been reported in the literature in individuals affected with TRPM4-related conditions. This sequence change replaces proline, which is neutral and non-polar, with leucine, which is neutral and non-polar, at codon 1206 of the TRPM4 protein (p.Pro1206Leu). This variant is not present in population databases (gnomAD no frequency). Algorithms developed to predict the effect of missense changes on protein structure and function are either unavailable or do not agree on the potential impact of this missense change (SIFT: "Tolerated"; PolyPhen-2: "Possibly Damaging"; Align-GVGD: "Class C0"). In summary, the available evidence is currently insufficient to determine the role of this variant in disease. Therefore, it has been classified as a Variant of Uncertain Significance.

NM_017636.4(TRPM4):c.3617C>T (p.Pro1206Leu)

Gene: TRPM4 (transient receptor potential cation channel subfamily M member 4; plus strand). Cytogenetic location: 19q13.33.
Variant type: single nucleotide variant.
Coding change: c.3617C>T on transcript NM_017636.4 (MANE Select); coding-DNA position 3617, C replaced by T.
Protein change: p.Pro1206Leu; replaces proline 1206 with leucine.
Molecular consequence: missense variant.
Genome position (GRCh38, 1-based): chr19:49,211,246, C>T. VCF-style: chr19-49211246-C-T. GRCh37 (hg19) VCF-style: chr19-49714503-C-T.
Other names: c.3182C>T, p.Pro1061Leu (NM_001195227.2); c.3272C>T, p.Pro1091Leu (NM_001321281.2); c.2009C>T, p.Pro670Leu (NM_001321282.2); c.3095C>T, p.Pro1032Leu (NM_001321283.2); c.2555C>T, p.Pro852Leu (NM_001321285.2); c.3617C>T (NM_017636.3); short protein forms P1061L, P670L, P1206L, P1032L, P1091L, P852L.
Identifiers: ClinVar variation 2115458 (VCV002115458.5), dbSNP rs1370376515, ClinGen allele CA406773829.